The following is an entry in ClinVar:

NM_002693.3(POLG):c.1552G>T (p.Ala518Ser)

Gene: POLG (DNA polymerase gamma, catalytic subunit; minus strand). Cytogenetic location: 15q26.1.
Variant type: single nucleotide variant.
Coding change: c.1552G>T on transcript NM_002693.3 (MANE Select); coding-DNA position 1552, G replaced by T.
Protein change: p.Ala518Ser; replaces alanine 518 with serine.
Molecular consequence: missense variant.
Genome position (GRCh38, 1-based): chr15:89,326,945, C>A on the plus strand (G>T on the coding strand, the complement: POLG is on the minus strand). VCF-style: chr15-89326945-C-A. GRCh37 (hg19) VCF-style: chr15-89870176-C-A.
Other names: c.1552G>T, p.Ala518Ser (NM_001126131.2); short protein forms A518S.
Identifiers: ClinVar variation 3690778 (VCV003690778.3).
Genomic context (GRCh38, chr15:89,326,945, plus strand): 5'-ACCCTACCTCCCACCCATGCTCCCCACCTTCCTGATCCATGGGATCACCAGGGGCCCCAG[C>A]CCCCTCGATGGGCAACTTGCTGGCTGTGGCTGGTTCCTTCTTCACCTTCTTAGCTTTCTT-3'
Protein context (NP_002684.1, residues 508-528): ATASKLPIEG[Ala518Ser]GAPGDPMDQE

ClinVar aggregate classification (germline): Uncertain significance. Review status: criteria provided, multiple submitters, no conflicts (2 of 4 stars). 2 submissions from 2 submitters: Uncertain significance (2). Last evaluated 2025-08-02.

Conditions:
Progressive sclerosing poliodystrophy (MTDPS4A). Also called: ALPERS PROGRESSIVE INFANTILE POLIODYSTROPHY; NEURONAL DEGENERATION OF CHILDHOOD WITH LIVER DISEASE, PROGRESSIVE; Alpers Syndrome; ALPERS DIFFUSE DEGENERATION OF CEREBRAL GRAY MATTER WITH HEPATIC CIRRHOSIS; Alpers-Huttenlocher Syndrome; Mitochondrial DNA depletion syndrome 4A (Alpers type). Identifiers: Orphanet 726, MedGen C0205710, MONDO:0008758, OMIM 203700.
Inborn genetic diseases. Identifiers: MedGen C0950123, MeSH D030342.

Submissions (2):

Ambry Genetics
Classification: Uncertain significance for Inborn genetic diseases. Last evaluated: 2025-08-02. Review status: criteria provided, single submitter. Criteria: Ambry Variant Classification Scheme 2023. Collection method: clinical testing. Allele origin: germline.

Labcorp Genetics (formerly Invitae), Labcorp
Classification: Uncertain significance for Progressive sclerosing poliodystrophy. Last evaluated: 2024-02-07. Review status: criteria provided, single submitter. Criteria: Invitae Variant Classification Sherloc (09022015). Collection method: clinical testing. Allele origin: germline.
Comment: This sequence change replaces alanine, which is neutral and non-polar, with serine, which is neutral and polar, at codon 518 of the POLG protein (p.Ala518Ser). This variant is not present in population databases (gnomAD no frequency). This variant has not been reported in the literature in individuals affected with POLG-related conditions. Advanced modeling of protein sequence and biophysical properties (such as structural, functional, and spatial information, amino acid conservation, physicochemical variation, residue mobility, and thermodynamic stability) performed at Invitae indicates that this missense variant is not expected to disrupt POLG protein function with a negative predictive value of 95%. In summary, the available evidence is currently insufficient to determine the role of this variant in disease. Therefore, it has been classified as a Variant of Uncertain Significance.